The following is an entry in ClinVar:

ClinVar aggregate classification (germline): Likely pathogenic. Review status: criteria provided, multiple submitters, no conflicts (2 of 4 stars). 2 submissions from 2 submitters: Likely pathogenic (2). Last evaluated 2026-09-21.

Conditions:
IFT172-related disorder. Also called: IFT172-related condition; IFT172-related disorders.
Short-rib thoracic dysplasia 10 with or without polydactyly (SRTD10). Identifiers: Orphanet 474, MedGen C3810175, MONDO:0014284, OMIM 615630.
Retinitis pigmentosa 71 (RP71). Identifiers: Orphanet 791, MedGen C4225342, MONDO:0014618, OMIM 616394.

Allele frequency attached by ClinVar (database versions not stated): gnomAD exomes below 0.00001.

Submissions (2):

PreventionGenetics, part of Exact Sciences
Classification: Likely pathogenic for IFT172-related condition. Last evaluated: 2026-09-21. Review status: criteria provided, single submitter. Criteria: ACMG Guidelines, 2015. Collection method: clinical testing. Allele origin: germline.
Comment: The IFT172 c.3822-2_3822-1delAG variant is predicted to result in a deletion affecting a canonical splice site. To our knowledge, this variant has not been reported in the literature or in a large population database gnomAD, indicating this variant is rare. Variants that disrupt consensus acceptor sites in IFT172 are expected to be pathogenic. This variant is interpreted as likely pathogenic.

Labcorp Genetics (formerly Invitae), Labcorp
Classification: Likely pathogenic for Retinitis pigmentosa 71; Short-rib thoracic dysplasia 10 with or without polydactyly. Last evaluated: 2025-10-19. Review status: criteria provided, single submitter. Criteria: Invitae Variant Classification Sherloc (09022015). Collection method: clinical testing. Allele origin: germline.
Comment: This sequence change affects a splice site in intron 34 of the IFT172 gene. It is expected to disrupt RNA splicing. Variants that disrupt the donor or acceptor splice site typically lead to a loss of protein function (PMID: 16199547), and loss-of-function variants in IFT172 are known to be pathogenic (PMID: 24140113). This variant is not present in population databases (gnomAD no frequency). This variant has not been reported in the literature in individuals affected with IFT172-related conditions. ClinVar contains an entry for this variant (Variation ID: 2945999). Algorithms developed to predict the effect of sequence changes on RNA splicing suggest that this variant may disrupt the consensus splice site. In summary, the currently available evidence indicates that the variant is pathogenic, but additional data are needed to prove that conclusively. Therefore, this variant has been classified as Likely Pathogenic.

Literature cited by the submitters: PubMed 16199547 (cited by Labcorp Genetics (formerly Invitae), Labcorp); PubMed 24140113 (cited by Labcorp Genetics (formerly Invitae), Labcorp).

NM_015662.3(IFT172):c.3822-2_3822-1del

Genes: IFT172 (intraflagellar transport 172; minus strand), LOC126806173 (BRD4-independent group 4 enhancer GRCh37_chr2:27676057-27677256; plus strand). Cytogenetic location: 2p23.3.
Variant type: Deletion.
Coding change: c.3822-2_3822-1del on transcript NM_015662.3 (MANE Select); the canonical splice acceptor site of the intron before coding-DNA position 3822, 2 bases deleted (AG; older notation c.3822-2_3822-1delAG).
Molecular consequence: splice acceptor variant.
Genome position (GRCh38, 1-based): chr2:27,453,514-27,453,515, CT deleted on the plus strand (AG on the coding strand, the reverse complement: IFT172 is on the minus strand). VCF-style (leftmost placement, unchanged base first): chr2-27453513-CCT-C. GRCh37 (hg19) VCF-style: chr2-27676380-CCT-C.
Other names: c.3822-2_3822-1delAG (NM_015662.2); c.3756-2_3756-1del (NM_001410739.1).
Identifiers: ClinVar variation 2945999 (VCV002945999.4), dbSNP rs2465831120, ClinGen allele CA2576946980.